The following is an entry in ClinVar:

NM_004260.4(RECQL4):c.2464G>A (p.Gly822Ser)

Gene: RECQL4 (RecQ like helicase 4; minus strand). Cytogenetic location: 8q24.3.
Variant type: single nucleotide variant.
Coding change: c.2464G>A on transcript NM_004260.4 (MANE Select); coding-DNA position 2464, G replaced by A.
Protein change: p.Gly822Ser; replaces glycine 822 with serine.
Molecular consequence: missense variant. On other transcripts: non-coding transcript variant (3).
Genome position (GRCh38, 1-based): chr8:144,513,138, C>T on the plus strand (G>A on the coding strand, the complement: RECQL4 is on the minus strand). VCF-style: chr8-144513138-C-T. GRCh37 (hg19) VCF-style: chr8-145738521-C-T.
Other names: c.2170G>A, p.Gly724Ser (NM_001413017.1); c.2266G>A, p.Gly756Ser (NM_001413018.1); c.2464G>A, p.Gly822Ser (NM_001413019.1, NM_001413036.1); c.2368G>A, p.Gly790Ser (NM_001413020.1); c.1393G>A, p.Gly465Ser (NM_001413021.1, NM_001413022.1, NM_001413023.1 and 5 more transcripts); c.2335G>A, p.Gly779Ser (NM_001413025.1); c.1327G>A, p.Gly443Ser (NM_001413027.1, NM_001413030.1, NM_001413032.1 and 1 more transcripts); c.2113G>A, p.Gly705Ser (NM_001413029.1); and 6 more; short protein forms G399S, G455S, G779S, G812S, G333S, G465S, G724S, G778S.
Identifiers: ClinVar variation 2984354 (VCV002984354.4), dbSNP rs1471995768, ClinGen allele CA372677663.

ClinVar aggregate classification (germline): Uncertain significance. Review status: criteria provided, multiple submitters, no conflicts (2 of 4 stars). 2 submissions from 2 submitters: Uncertain significance (2). Last evaluated 2023-04-14.

Conditions:
Baller-Gerold syndrome (BGS). Also called: CRANIOSYNOSTOSIS WITH RADIAL DEFECTS. Identifiers: Orphanet 1225, MedGen C0265308, MONDO:0009039, OMIM 218600.

Allele frequency attached by ClinVar (database versions not stated): gnomAD exomes below 0.00001.
gnomAD v4.1: 6 of 1,559,258 alleles (0.00038%); highest among the groups gnomAD compares: Non-Finnish European, 0.00052%; no homozygotes.

Submissions (2):

Labcorp Genetics (formerly Invitae), Labcorp
Classification: Uncertain significance for Baller-Gerold syndrome. Last evaluated: 2023-04-14. Review status: criteria provided, single submitter. Criteria: Invitae Variant Classification Sherloc (09022015). Collection method: clinical testing. Allele origin: germline.
Comment: Experimental studies and prediction algorithms are not available or were not evaluated, and the functional significance of this variant is currently unknown. In summary, the available evidence is currently insufficient to determine the role of this variant in disease. Therefore, it has been classified as a Variant of Uncertain Significance. This variant has not been reported in the literature in individuals affected with RECQL4-related conditions. This variant is not present in population databases (gnomAD no frequency). This sequence change replaces glycine, which is neutral and non-polar, with serine, which is neutral and polar, at codon 822 of the RECQL4 protein (p.Gly822Ser).

Blueprint Genetics
Classification: Uncertain significance. Last evaluated: 2021-06-21. Review status: criteria provided, single submitter. Criteria: ACMG Guidelines, 2015. Collection method: clinical testing. Allele origin: germline.